The following is an entry in ClinVar:

NM_000548.5(TSC2):c.2966+5C>T

Gene: TSC2 (TSC complex subunit 2; plus strand). Cytogenetic location: 16p13.3.
Variant type: single nucleotide variant.
Coding change: c.2966+5C>T on transcript NM_000548.5 (MANE Select); 5 bases into the intron after coding-DNA position 2966, C replaced by T.
Molecular consequence: intron variant.
Genome position (GRCh38, 1-based): chr16:2,077,731, C>T. VCF-style: chr16-2077731-C-T. GRCh37 (hg19) VCF-style: chr16-2127732-C-T.
Other names: c.2966+5C>T (NM_001114382.3); c.2837+1146C>T (NM_021055.3, NM_001370405.1, NM_001363528.2 and 2 more transcripts); c.2726+1146C>T (NM_001318827.2); c.2237+1146C>T (NM_001318831.2); c.2690+1146C>T (NM_001318829.2); c.2870+1146C>T (NM_001318832.2).
Identifiers: ClinVar variation 486609 (VCV000486609.19), dbSNP rs767328300, ClinGen allele CA043312.

ClinVar aggregate classification (germline): Conflicting classifications of pathogenicity. Review status: criteria provided, conflicting classifications (1 of 4 stars). 5 submissions from 5 submitters: Uncertain significance (1); Likely benign (4). Last evaluated 2026-01-19.

Conditions:
Tuberous sclerosis 2 (TSC2). Identifiers: Orphanet 805, MedGen C1860707, MONDO:0013199, OMIM 613254.
Tuberous sclerosis syndrome (TSC). Also called: Tuberous Sclerosis Complex; Tuberous sclerosis. Identifiers: Orphanet 805, MedGen C0041341, MONDO:0001734.
Hereditary cancer-predisposing syndrome. Also called: Tumor predisposition; Hereditary Cancer Syndrome; Neoplastic Syndromes, Hereditary; Hereditary neoplastic syndrome. Identifiers: Orphanet 140162, MedGen C0027672, MeSH D009386, MONDO:0015356.

Allele frequency attached by ClinVar (database versions not stated): gnomAD 0.00001; gnomAD exomes 0.00001 and 0.00003; TOPMed 0.00001; ExAC 0.00002.
gnomAD v4.1: 37 of 1,611,810 alleles (0.0023%); highest among the groups gnomAD compares: Non-Finnish European, 0.0028%; 1 homozygote.

Submissions (5):

Labcorp Genetics (formerly Invitae), Labcorp
Classification: Likely benign for Tuberous sclerosis 2. Last evaluated: 2026-01-19. Review status: criteria provided, single submitter. Criteria: Invitae Variant Classification Sherloc (09022015). Collection method: clinical testing. Allele origin: germline.

Blueprint Genetics
Classification: Likely benign. Last evaluated: 2024-09-06. Review status: criteria provided, single submitter. Criteria: ACMG Guidelines, 2015. Collection method: clinical testing. Allele origin: germline.

Color Diagnostics, LLC DBA Color Health
Classification: Uncertain significance for Tuberous sclerosis syndrome. Last evaluated: 2024-03-06. Review status: criteria provided, single submitter. Criteria: ACMG Guidelines, 2015. Collection method: clinical testing. Allele origin: germline.
Comment: This variant causes a C to T nucleotide substitution at the +5 position of intron 26 of the TSC2 gene. Splice site prediction tools suggest that this variant may not impact RNA splicing. To our knowledge, RNA studies have not been reported for this variant. This variant has not been reported in individuals affected with TSC2-related disorders in the literature. This variant has been identified in 4/280810 chromosomes in the general population by the Genome Aggregation Database (gnomAD). The available evidence is insufficient to determine the role of this variant in disease conclusively. Therefore, this variant is classified as a Variant of Uncertain Significance.

Ambry Genetics
Classification: Likely benign for Hereditary cancer-predisposing syndrome. Last evaluated: 2022-03-25. Review status: criteria provided, single submitter. Criteria: Ambry Variant Classification Scheme 2023. Collection method: clinical testing. Allele origin: germline.

Genome-Nilou Lab
Classification: Likely benign for Tuberous sclerosis 2. Last evaluated: 2021-11-07. Review status: criteria provided, single submitter. Criteria: ACMG Guidelines, 2015. Collection method: clinical testing. Allele origin: germline. Affected: no.